The following is an entry in ClinVar:

NM_001126108.2(SLC12A3):c.427A>G (p.Met143Val)

Gene: SLC12A3 (solute carrier family 12 member 3; plus strand). Cytogenetic location: 16q13.
Variant type: single nucleotide variant.
Coding change: c.427A>G on transcript NM_001126108.2 (MANE Select); coding-DNA position 427, A replaced by G.
Protein change: p.Met143Val; replaces methionine 143 with valine.
Molecular consequence: missense variant.
Genome position (GRCh38, 1-based): chr16:56,867,214, A>G. VCF-style: chr16-56867214-A-G. GRCh37 (hg19) VCF-style: chr16-56901126-A-G.
Other names: c.427A>G, p.Met143Val (NM_000339.3); c.424A>G, p.Met142Val (NM_001126107.2); short protein forms M142V, M143V.
Identifiers: ClinVar variation 988130 (VCV000988130.1), dbSNP rs1964378547, ClinGen allele CA395979209.

ClinVar aggregate classification (germline): Uncertain significance (0 of 4 stars; one submission).

Conditions:
Bartter syndrome. Identifiers: Orphanet 112, MedGen C0004775, MONDO:0015231.
Familial hypokalemia-hypomagnesemia (GTLMNS). Also called: POTASSIUM AND MAGNESIUM DEPLETION; HYPOMAGNESEMIA-HYPOKALEMIA, PRIMARY RENOTUBULAR, WITH HYPOCALCIURIA; gitelman syndrome. Identifiers: Orphanet 358, MedGen C0268450, MONDO:0009904, OMIM 263800.

Allele frequency attached by ClinVar (database versions not stated): gnomAD exomes below 0.00001.

Submission:

Sydney Genome Diagnostics, Children's Hospital Westmead
Classification: Uncertain significance for Familial hypokalemia-hypomagnesemia; Bartter syndrome. Last evaluated: 2019-01-25. Review status: no assertion criteria provided. Collection method: clinical testing. Allele origin: unknown. Affected: yes. Observed: 1 variant allele, 1 heterozygote.
Comment: The variant has not been reported in any population databases (i.e. gnomAD, ExAC, ESP or dbSNP). To our knowledge, this variant has not been previously reported in the literature or any disease specific databases. In silico analysis of pathogenicity (through Alamut Visual v2.8.1) is inconclusive regarding this change; PolyPhen2 and SIFT predicts it to be likely benign whereas MutationTaster predicts this variant to be likely pathogenic. This variant is located towards the end of the exon and in silico analysis (through Alamut Visual v2.8.1) predicts this variant have a minor effect on splicing by slightly reducing the efficiency of the natural splice donor site. This variant is considered to be a variant of uncertain clinical significance (VOUS) according to the ACMG guidelines (evidence used: PM2) .